The following is an entry in ClinVar:

NM_177550.5(SLC13A5):c.547+6C>T

Gene: SLC13A5 (solute carrier family 13 member 5; minus strand). Cytogenetic location: 17p13.1.
Variant type: single nucleotide variant.
Coding change: c.547+6C>T on transcript NM_177550.5 (MANE Select); 6 bases into the intron after coding-DNA position 547, C replaced by T.
Molecular consequence: intron variant.
Genome position (GRCh38, 1-based): chr17:6,703,872, G>A on the plus strand (C>T on the coding strand, the complement: SLC13A5 is on the minus strand). VCF-style: chr17-6703872-G-A. GRCh37 (hg19) VCF-style: chr17-6607191-G-A.
Other names: c.418+6C>T (NM_001284510.2); c.496+6C>T (NM_001284509.2); c.547+6C>T (NM_001143838.3).
Identifiers: ClinVar variation 1040175 (VCV001040175.9), dbSNP rs372687638, ClinGen allele CA287396404.

ClinVar aggregate classification (germline): Uncertain significance (1 of 4 stars; one submission).

Conditions:
Developmental and epileptic encephalopathy, 25 (DEE25). Also called: Developmental and epileptic encephalopathy 25, with amelogenesis imperfecta; Epileptic encephalopathy, early infantile, 25, with amelogenesis imperfecta; Epileptic encephalopathy, early infantile, 25. Identifiers: Orphanet 442835, MedGen C4014621, MONDO:0014392, OMIM 615905.

Allele frequency attached by ClinVar (database versions not stated): gnomAD 0.00001; TOPMed 0.00002; ESP Exome Variant Server 0.00008.
gnomAD v4.1: 11 of 1,532,836 alleles (0.00072%); highest among the groups gnomAD compares: Non-Finnish European, 0.00079%; no homozygotes.

Submission:

Labcorp Genetics (formerly Invitae), Labcorp
Classification: Uncertain significance for Developmental and epileptic encephalopathy, 25. Last evaluated: 2020-07-30. Review status: criteria provided, single submitter. Criteria: Invitae Variant Classification Sherloc (09022015). Collection method: clinical testing. Allele origin: germline.
Comment: In summary, the available evidence is currently insufficient to determine the role of this variant in disease. Therefore, it has been classified as a Variant of Uncertain Significance. Nucleotide substitutions within the consensus splice site are a relatively common cause of aberrant splicing (PMID: 17576681, 9536098). Algorithms developed to predict the effect of sequence changes on RNA splicing suggest that this variant is not likely to affect RNA splicing, but this prediction has not been confirmed by published transcriptional studies. This variant has not been reported in the literature in individuals with SLC13A5-related conditions. This variant is not present in population databases (ExAC no frequency). This sequence change falls in intron 4 of the SLC13A5 gene. It does not directly change the encoded amino acid sequence of the SLC13A5 protein, but it affects a nucleotide within the consensus splice site of the intron.

Literature cited by the submitters: PubMed 17576681; PubMed 9536098.